The following is an entry in ClinVar:

ClinVar aggregate classification (germline): Likely benign (1 of 4 stars; one submission).

gnomAD v4.1: 4 of 1,165,770 alleles (0.00034%); highest among the groups gnomAD compares: African/African-American, 0.0045%; no homozygotes.

Submission:

CeGaT Center for Human Genetics Tuebingen
Classification: Likely benign. Last evaluated: 2024-11-01. Review status: criteria provided, single submitter. Criteria: CeGaT Center For Human Genetics Tuebingen Variant Classification Criteria Version 2. Collection method: clinical testing. Allele origin: germline. Affected: yes. Observed: 1 variant allele.
Comment: DNAH2: BP4, BP7

NM_020877.5(DNAH2):c.1904+112A>G

Gene: DNAH2 (dynein axonemal heavy chain 2; plus strand). Cytogenetic location: 17p13.1.
Variant type: single nucleotide variant.
Coding change: c.1904+112A>G on transcript NM_020877.5 (MANE Select); 112 bases into the intron after coding-DNA position 1904, A replaced by G.
Molecular consequence: intron variant. On other transcripts: synonymous variant (1).
Genome position (GRCh38, 1-based): chr17:7,743,254, A>G. VCF-style: chr17-7743254-A-G. GRCh37 (hg19) VCF-style: chr17-7646572-A-G.
Other names: c.2262A>G, p.Thr754= (NM_001303270.2).
Identifiers: ClinVar variation 3389023 (VCV003389023.14).